The following is an entry in ClinVar:

NM_032776.3(JMJD1C):c.1526T>A (p.Val509Asp)

Gene: JMJD1C (jumonji domain containing 1C; minus strand). Cytogenetic location: 10q21.3.
Variant type: single nucleotide variant.
Coding change: c.1526T>A on transcript NM_032776.3 (MANE Select); coding-DNA position 1526, T replaced by A.
Protein change: p.Val509Asp; replaces valine 509 with aspartic acid.
Molecular consequence: missense variant. On other transcripts: non-coding transcript variant (1).
Genome position (GRCh38, 1-based): chr10:63,214,641, A>T on the plus strand (T>A on the coding strand, the complement: JMJD1C is on the minus strand). VCF-style: chr10-63214641-A-T. GRCh37 (hg19) VCF-style: chr10-64974401-A-T.
Other names: c.980T>A, p.Val327Asp (NM_001282948.2, NM_001318154.2); c.662T>A, p.Val221Asp (NM_001318153.2); c.1412T>A, p.Val471Asp (NM_001322252.2); c.869T>A, p.Val290Asp (NM_001322254.2, NM_001322258.2); short protein forms V471D, V509D, V221D, V290D, V327D.
Identifiers: ClinVar variation 656494 (VCV000656494.8), dbSNP rs755617043, ClinGen allele CA5518792.

ClinVar aggregate classification (germline): Uncertain significance (1 of 4 stars; one submission).

Conditions:
Early Myoclonic Encephalopathy. Identifiers: MedGen C0270855.

Allele frequency attached by ClinVar (database versions not stated): gnomAD exomes 0.00001 and below 0.00001; ExAC 0.00001.
gnomAD v4.1: 2 of 1,614,092 alleles (0.00012%); highest among the groups gnomAD compares: South Asian, 0.0011%; no homozygotes.

Submission:

Labcorp Genetics (formerly Invitae), Labcorp
Classification: Uncertain significance for Early Myoclonic Encephalopathy. Last evaluated: 2021-03-14. Review status: criteria provided, single submitter. Criteria: Invitae Variant Classification Sherloc (09022015). Collection method: clinical testing. Allele origin: germline.
Comment: This variant is present in population databases (rs755617043, ExAC 0.006%). In summary, the available evidence is currently insufficient to determine the role of this variant in disease. Therefore, it has been classified as a Variant of Uncertain Significance. Algorithms developed to predict the effect of missense changes on protein structure and function are either unavailable or do not agree on the potential impact of this missense change (SIFT: "Deleterious"; PolyPhen-2: "Benign"; Align-GVGD: "Class C0"). This variant has not been reported in the literature in individuals with JMJD1C-related conditions. This sequence change replaces valine with aspartic acid at codon 509 of the JMJD1C protein (p.Val509Asp). The valine residue is moderately conserved and there is a large physicochemical difference between valine and aspartic acid.